The following is an entry in ClinVar:

NM_002730.4(PRKACA):c.57C>G (p.Phe19Leu)

Gene: PRKACA (protein kinase cAMP-activated catalytic subunit alpha; minus strand). Cytogenetic location: 19p13.12.
Variant type: single nucleotide variant.
Coding change: c.57C>G on transcript NM_002730.4 (MANE Select); coding-DNA position 57, C replaced by G.
Protein change: p.Phe19Leu; replaces phenylalanine 19 with leucine.
Molecular consequence: missense variant.
Genome position (GRCh38, 1-based): chr19:14,107,399, G>C on the plus strand (C>G on the coding strand, the complement: PRKACA is on the minus strand). VCF-style: chr19-14107399-G-C. GRCh37 (hg19) VCF-style: chr19-14218211-G-C.
Other names: c.285C>G, p.Phe95Leu (NM_001304349.2); c.33C>G, p.Phe11Leu (NM_207518.3); short protein forms F11L, F19L, F95L.
Identifiers: ClinVar variation 3899139 (VCV003899139.1).
Genomic context (GRCh38, chr19:14,107,399, plus strand): 5'-CAGCCTTACCTGAGCGGGACTTTCCCATTTTTTAAGAAAATCTTCTTTGGCTTTGGCTAA[G>C]AATTCTTTCACTGAAAGGGAGAGAGGGGAGAGTTATACAGAGACGCCCGTCTCACCGGGG-3'
Protein context (NP_002721.1, residues 9-29): KGSEQESVKE[Phe19Leu]LAKAKEDFLK

ClinVar aggregate classification (germline): Uncertain significance (1 of 4 stars; one submission).

Submission:

GeneDx
Classification: Uncertain significance. Last evaluated: 2024-11-09. Review status: criteria provided, single submitter. Criteria: GeneDx Variant Classification Process June 2021. Collection method: clinical testing. Allele origin: germline. Affected: yes.
Comment: Not observed at significant frequency in large population cohorts (gnomAD); In silico analysis indicates that this missense variant does not alter protein structure/function; Has not been previously published as pathogenic or benign to our knowledge